The following is an entry in ClinVar:

NM_001378454.1(ALMS1):c.11559T>A (p.His3853Gln)

Gene: ALMS1 (ALMS1 centrosome and basal body associated protein; plus strand). Cytogenetic location: 2p13.1.
Variant type: single nucleotide variant.
Coding change: c.11559T>A on transcript NM_001378454.1 (MANE Select); coding-DNA position 11559, T replaced by A.
Protein change: p.His3853Gln; replaces histidine 3853 with glutamine.
Molecular consequence: missense variant.
Genome position (GRCh38, 1-based): chr2:73,599,412, T>A. VCF-style: chr2-73599412-T-A. GRCh37 (hg19) VCF-style: chr2-73826539-T-A.
Other names: c.11562T>A, p.His3854Gln (NM_015120.4); short protein forms H3854Q, H3853Q.
Identifiers: ClinVar variation 555225 (VCV000555225.5), dbSNP rs186141821, ClinGen allele CA1715248.

ClinVar aggregate classification (germline): Uncertain significance. Review status: criteria provided, multiple submitters, no conflicts (2 of 4 stars). 3 submissions from 3 submitters: Uncertain significance (2). 1 of the submissions does not count toward it. Last evaluated 2023-08-08.

Conditions:
Cardiovascular phenotype. Identifiers: MedGen CN230736.
Alstrom syndrome (ALMS). Identifiers: Orphanet 64, MedGen C0268425, MONDO:0008763, OMIM 203800.

Allele frequency attached by ClinVar (database versions not stated): ExAC 0.00002; 1000 Genomes Project 30x 0.00031; 1000 Genomes Project 0.00040.
gnomAD v4.1: 31 of 1,613,252 alleles (0.0019%); highest among the groups gnomAD compares: East Asian, 0.069%; 1 homozygote.

Submissions (3):

Ambry Genetics
Classification: Uncertain significance for Cardiovascular phenotype. Last evaluated: 2023-08-08. Review status: criteria provided, single submitter. Criteria: Ambry Variant Classification Scheme 2023. Collection method: clinical testing. Allele origin: germline.
Comment: The p.H3854Q variant (also known as c.11562T>A), located in coding exon 17 of the ALMS1 gene, results from a T to A substitution at nucleotide position 11562. The histidine at codon 3854 is replaced by glutamine, an amino acid with highly similar properties. This amino acid position is not well conserved in available vertebrate species. In addition, this alteration is predicted to be tolerated by in silico analysis. Since supporting evidence is limited at this time, the clinical significance of this alteration remains unclear.

Labcorp Genetics (formerly Invitae), Labcorp
Classification: Uncertain significance for Alstrom syndrome. Last evaluated: 2022-03-13. Review status: criteria provided, single submitter. Criteria: Invitae Variant Classification Sherloc (09022015). Collection method: clinical testing. Allele origin: germline.
Comment: This sequence change replaces histidine, which is basic and polar, with glutamine, which is neutral and polar, at codon 3854 of the ALMS1 protein (p.His3854Gln). This variant is present in population databases (rs186141821, gnomAD 0.01%), including at least one homozygous and/or hemizygous individual. This variant has not been reported in the literature in individuals affected with ALMS1-related conditions. ClinVar contains an entry for this variant (Variation ID: 555225). Experimental studies and prediction algorithms are not available or were not evaluated, and the functional significance of this variant is currently unknown. In summary, the available evidence is currently insufficient to determine the role of this variant in disease. Therefore, it has been classified as a Variant of Uncertain Significance.

Counsyl
Classification: Uncertain significance for Alstrom syndrome. Last evaluated: 2017-11-29. Review status: no assertion criteria provided. Collection method: clinical testing. Allele origin: unknown. Not counted in ClinVar's aggregate classification.